The following is an entry in ClinVar:

ClinVar aggregate classification (germline): Uncertain significance (1 of 4 stars; one submission).

Conditions:
Familial thoracic aortic aneurysm and aortic dissection (TAAD). Also called: Thoracic aortic aneurysms and dissections. Identifiers: Orphanet 91387, MedGen C4707243, MONDO:0019625.

Submission:

Ambry Genetics
Classification: Uncertain significance for Familial thoracic aortic aneurysm and aortic dissection. Last evaluated: 2018-01-12. Review status: criteria provided, single submitter. Criteria: Ambry Variant Classification Scheme 2023. Collection method: clinical testing. Allele origin: germline.
Comment: The p.T594I variant (also known as c.1781C>T), located in coding exon 13 of the FBN2 gene, results from a C to T substitution at nucleotide position 1781. The threonine at codon 594 is replaced by isoleucine, an amino acid with similar properties. This amino acid position is highly conserved in available vertebrate species. In addition, this alteration is predicted to be deleterious by in silico analysis. Since supporting evidence is limited at this time, the clinical significance of this alteration remains unclear.

NM_001999.4(FBN2):c.1781C>T (p.Thr594Ile)

Gene: FBN2 (fibrillin 2; minus strand). Cytogenetic location: 5q23.3.
Variant type: single nucleotide variant.
Coding change: c.1781C>T on transcript NM_001999.4 (MANE Select); coding-DNA position 1781, C replaced by T.
Protein change: p.Thr594Ile; replaces threonine 594 with isoleucine.
Molecular consequence: missense variant.
Genome position (GRCh38, 1-based): chr5:128,377,820, G>A on the plus strand (C>T on the coding strand, the complement: FBN2 is on the minus strand). VCF-style: chr5-128377820-G-A. GRCh37 (hg19) VCF-style: chr5-127713513-G-A.
Other names: short protein forms T594I.
Identifiers: ClinVar variation 1780005 (VCV001780005.2), dbSNP rs1192240311, ClinGen allele CA360742548.